The following is an entry in ClinVar:

ClinVar aggregate classification (germline): Uncertain significance. Review status: criteria provided, multiple submitters, no conflicts (2 of 4 stars). 2 submissions from 2 submitters: Uncertain significance (2). Last evaluated 2024-10-09.

Conditions:
EAST syndrome (SESAMES). Also called: SEIZURES, SENSORINEURAL DEAFNESS, ATAXIA, IMPAIRED INTELLECTUAL DEVELOPMENT, AND ELECTROLYTE IMBALANCE. Identifiers: Orphanet 199343, MedGen C2748572, MONDO:0013005, OMIM 612780.

Submissions (2):

GeneDx
Classification: Uncertain significance. Last evaluated: 2024-10-09. Review status: criteria provided, single submitter. Criteria: GeneDx Variant Classification Process June 2021. Collection method: clinical testing. Allele origin: germline.
Comment: Not observed at significant frequency in large population cohorts (gnomAD); In silico analysis supports that this missense variant has a deleterious effect on protein structure/function; Has not been previously published as pathogenic or benign to our knowledge

Labcorp Genetics (formerly Invitae), Labcorp
Classification: Uncertain significance for EAST syndrome. Last evaluated: 2021-09-01. Review status: criteria provided, single submitter. Criteria: Invitae Variant Classification Sherloc (09022015). Collection method: clinical testing. Allele origin: germline.
Comment: This sequence change replaces serine with arginine at codon 328 of the KCNJ10 protein (p.Ser328Arg). The serine residue is moderately conserved and there is a moderate physicochemical difference between serine and arginine. This variant is not present in population databases (ExAC no frequency). This variant has not been reported in the literature in individuals affected with KCNJ10-related conditions. Algorithms developed to predict the effect of missense changes on protein structure and function are either unavailable or do not agree on the potential impact of this missense change (SIFT: "Tolerated"; PolyPhen-2: "Possibly Damaging"; Align-GVGD: "Class C0"). In summary, the available evidence is currently insufficient to determine the role of this variant in disease. Therefore, it has been classified as a Variant of Uncertain Significance.

NM_002241.5(KCNJ10):c.984C>A (p.Ser328Arg)

Gene: KCNJ10 (potassium inwardly rectifying channel subfamily J member 10; minus strand). Cytogenetic location: 1q23.2.
Variant type: single nucleotide variant.
Coding change: c.984C>A on transcript NM_002241.5 (MANE Select); coding-DNA position 984, C replaced by A.
Protein change: p.Ser328Arg; replaces serine 328 with arginine.
Molecular consequence: missense variant.
Genome position (GRCh38, 1-based): chr1:160,041,549, G>T on the plus strand (C>A on the coding strand, the complement: KCNJ10 is on the minus strand). VCF-style: chr1-160041549-G-T. GRCh37 (hg19) VCF-style: chr1-160011339-G-T.
Other names: c.984C>A (NM_002241.4); short protein forms S328R.
Identifiers: ClinVar variation 1516197 (VCV001516197.7), dbSNP rs1193299030, ClinGen allele CA343223080.